The following is an entry in ClinVar:

NM_000836.4(GRIN2D):c.2674-10G>A

Gene: GRIN2D (glutamate ionotropic receptor NMDA type subunit 2D; plus strand). Cytogenetic location: 19q13.33.
Variant type: single nucleotide variant.
Coding change: c.2674-10G>A on transcript NM_000836.4 (MANE Select); 10 bases into the intron before coding-DNA position 2674, G replaced by A.
Molecular consequence: intron variant.
Genome position (GRCh38, 1-based): chr19:48,442,590, G>A. VCF-style: chr19-48442590-G-A. GRCh37 (hg19) VCF-style: chr19-48945847-G-A.
Identifiers: ClinVar variation 4713857 (VCV004713857.1).
Genomic context (GRCh38, chr19:48,442,590, plus strand): 5'-GGACTGAGGGGAGGCGGGCAGGCGTCCTGGGCATCTCGCGCTGACCCCCGTCCTGTCCCC[G>A]GACCCGCAGGGCATGTACAGCTGCTGCAGCGCTGAGGCCGCCCCACCGCCCGCCAAGCCC-3'

ClinVar aggregate classification (germline): Uncertain significance (1 of 4 stars; one submission).

Submission:

Labcorp Genetics (formerly Invitae), Labcorp
Classification: Uncertain significance. Last evaluated: 2025-02-26. Review status: criteria provided, single submitter. Criteria: Invitae Variant Classification Sherloc (09022015). Collection method: clinical testing. Allele origin: germline.
Comment: This sequence change falls in intron 12 of the GRIN2D gene. It does not directly change the encoded amino acid sequence of the GRIN2D protein. This variant is not present in population databases (gnomAD no frequency). This variant has not been reported in the literature in individuals affected with GRIN2D-related conditions. Algorithms developed to predict the effect of sequence changes on RNA splicing suggest that this variant may disrupt the consensus splice site. In summary, the available evidence is currently insufficient to determine the role of this variant in disease. Therefore, it has been classified as a Variant of Uncertain Significance.